The following is an entry in ClinVar:

ClinVar aggregate classification (germline): Uncertain significance. Review status: criteria provided, multiple submitters, no conflicts (2 of 4 stars). 2 submissions from 2 submitters: Uncertain significance (2). Last evaluated 2025-02-19.

Conditions:
Norman-Roberts syndrome (LIS2). Also called: Lissencephaly 2 (Norman-Roberts type). Identifiers: Orphanet 89844, MedGen C0796089, MONDO:0009760, OMIM 257320.
Familial temporal lobe epilepsy 7. Identifiers: Orphanet 101046, MedGen C4225327, MONDO:0014639, OMIM 616436.
Inborn genetic diseases. Identifiers: MedGen C0950123, MeSH D030342.

Allele frequency attached by ClinVar (database versions not stated): gnomAD exomes 0.00001.
gnomAD v4.1: 8 of 1,613,828 alleles (0.0005%); highest among the groups gnomAD compares: Non-Finnish European, 0.00068%; no homozygotes.

Submissions (2):

Ambry Genetics
Classification: Uncertain significance for Inborn genetic diseases. Last evaluated: 2025-02-19. Review status: criteria provided, single submitter. Criteria: Ambry Variant Classification Scheme 2023. Collection method: clinical testing. Allele origin: germline.

Labcorp Genetics (formerly Invitae), Labcorp
Classification: Uncertain significance for Familial temporal lobe epilepsy 7; Norman-Roberts syndrome. Last evaluated: 2024-11-21. Review status: criteria provided, single submitter. Criteria: Invitae Variant Classification Sherloc (09022015). Collection method: clinical testing. Allele origin: germline.
Comment: This sequence change replaces threonine, which is neutral and polar, with proline, which is neutral and non-polar, at codon 2750 of the RELN protein (p.Thr2750Pro). This variant is present in population databases (no rsID available, gnomAD 0.002%). This variant has not been reported in the literature in individuals affected with RELN-related conditions. ClinVar contains an entry for this variant (Variation ID: 1405697). Invitae Evidence Modeling of protein sequence and biophysical properties (such as structural, functional, and spatial information, amino acid conservation, physicochemical variation, residue mobility, and thermodynamic stability) indicates that this missense variant is not expected to disrupt RELN protein function with a negative predictive value of 80%. In summary, the available evidence is currently insufficient to determine the role of this variant in disease. Therefore, it has been classified as a Variant of Uncertain Significance.

NM_005045.4(RELN):c.8248A>C (p.Thr2750Pro)

Genes: RELN (reelin; minus strand), SLC26A5-AS1 (SLC26A5 antisense RNA 1; plus strand). Cytogenetic location: 7q22.1.
Variant type: single nucleotide variant.
Coding change: c.8248A>C on transcript NM_005045.4 (MANE Select); coding-DNA position 8248, A replaced by C.
Protein change: p.Thr2750Pro; replaces threonine 2750 with proline.
Molecular consequence: missense variant.
Genome position (GRCh38, 1-based): chr7:103,510,877, T>G on the plus strand (A>C on the coding strand, the complement: RELN is on the minus strand). VCF-style: chr7-103510877-T-G. GRCh37 (hg19) VCF-style: chr7-103151324-T-G.
Other names: c.8248A>C, p.Thr2750Pro (NM_173054.3); c.8248A>C (NM_005045.3); short protein forms T2750P.
Identifiers: ClinVar variation 1405697 (VCV001405697.9), dbSNP rs1168374024, ClinGen allele CA368761262.
Genomic context (GRCh38, chr7:103,510,877, plus strand): 5'-GGTTGTTTATATAATCAAGATCATAACATTTCACCTTGAATTGCATAATCCAGCCTTCAG[T>G]GGGAGTCAGGTCATGGGTCACTGCATACACCTCCCGTCCATCATGACTGCCACAGAGCAT-3'
Protein context (NP_005036.2, residues 2740-2760): VYAVTHDLTP[Thr2750Pro]EGWIMQFKIS